The following is an entry in ClinVar:

ClinVar aggregate classification (germline): Benign/Likely benign. Review status: criteria provided, multiple submitters, no conflicts (2 of 4 stars). 5 submissions from 5 submitters: Benign (1); Likely benign (3). 1 of the submissions does not count toward it. Last evaluated 2025-09-21.

Conditions:
Inborn genetic diseases. Identifiers: MedGen C0950123, MeSH D030342.
Cardiac anomalies - developmental delay - facial dysmorphism syndrome (MRFACD). Also called: MED13L Syndrome; Impaired intellectual development and distinctive facial features with or without cardiac defects. Identifiers: Orphanet 369891, MedGen C5192431, MONDO:0014773, OMIM 616789.
MED13L-related disorder. Also called: MED13L-related condition.
Dextro-looped transposition of the great arteries. Also called: Dextrotransposition of the great arteries. Identifiers: Orphanet 860, MedGen C3531771, MONDO:0019443, OMIM 608808, HP:0031348.

Allele frequency attached by ClinVar (database versions not stated): gnomAD exomes 0.00006 and 0.00014; ExAC 0.00014; 1000 Genomes Project 30x 0.00016; 1000 Genomes Project 0.00020; gnomAD 0.00046 and 0.00052; TOPMed 0.00055; ESP Exome Variant Server 0.00077.
gnomAD v4.1: 161 of 1,613,722 alleles (0.01%); highest among the groups gnomAD compares: African/African-American, 0.15%; no homozygotes.

Submissions (5):

Labcorp Genetics (formerly Invitae), Labcorp
Classification: Likely benign for Dextro-looped transposition of the great arteries. Last evaluated: 2025-09-21. Review status: criteria provided, single submitter. Criteria: Invitae Variant Classification Sherloc (09022015). Collection method: clinical testing. Allele origin: germline.

Ambry Genetics
Classification: Likely benign for Inborn genetic diseases. Last evaluated: 2021-09-24. Review status: criteria provided, single submitter. Criteria: Ambry Variant Classification Scheme 2023. Collection method: clinical testing. Allele origin: germline.

Genomic Research Center, Shahid Beheshti University of Medical Sciences
Classification: Likely benign for Cardiac anomalies - developmental delay - facial dysmorphism syndrome. Last evaluated: 2020-05-03. Review status: criteria provided, single submitter. Criteria: ACMG Guidelines, 2015. Collection method: clinical testing. Allele origin: unknown. Affected: yes.

GeneDx
Classification: Benign. Last evaluated: 2020-02-10. Review status: criteria provided, single submitter. Criteria: GeneDx Variant Classification Process June 2021. Collection method: clinical testing. Allele origin: germline. Affected: yes.
Comment: This variant is associated with the following publications: (PMID: 30564305)

PreventionGenetics, part of Exact Sciences
Classification: Likely benign for MED13L-related condition. Last evaluated: 2022-11-21. Review status: no assertion criteria provided. Collection method: clinical testing. Allele origin: germline. Not counted in ClinVar's aggregate classification.
Comment: This variant is classified as likely benign based on ACMG/AMP sequence variant interpretation guidelines (Richards et al. 2015 PMID: 25741868, with internal and published modifications).

NM_015335.5(MED13L):c.1910G>A (p.Arg637His)

Gene: MED13L (mediator complex subunit 13L; minus strand). Cytogenetic location: 12q24.21.
Variant type: single nucleotide variant.
Coding change: c.1910G>A on transcript NM_015335.5 (MANE Select); coding-DNA position 1910, G replaced by A.
Protein change: p.Arg637His; replaces arginine 637 with histidine.
Molecular consequence: missense variant.
Genome position (GRCh38, 1-based): chr12:116,008,503, C>T on the plus strand (G>A on the coding strand, the complement: MED13L is on the minus strand). VCF-style: chr12-116008503-C-T. GRCh37 (hg19) VCF-style: chr12-116446308-C-T.
Other names: short protein forms R637H.
Identifiers: ClinVar variation 915314 (VCV000915314.18), dbSNP rs146499452, ClinGen allele CA6811333.
Genomic context (GRCh38, chr12:116,008,503, plus strand): 5'-TCACATCTCTCACCCTGGAGCTCTGGAGGCCTGAACTCAGCATCATCACTGGGTGGGAGA[C>T]GATAACTATGCCACCACTTTTCTGATGACTCCGGGTTCGAGGGCCTAATCCCACAATATA-3'
Protein context (NP_056150.1, residues 627-647): ESSEKWWHSY[Arg637His]LPPSDDAEFR